The following is an entry in ClinVar:

NM_145290.4(ADGRA3):c.640_664del (p.Cys214fs)

Gene: ADGRA3 (adhesion G protein-coupled receptor A3; minus strand). Cytogenetic location: 4p15.2.
Variant type: Deletion.
Coding change: c.640_664del on transcript NM_145290.4 (MANE Select); coding-DNA positions 640 to 664, 25 bases deleted (TGTGTTTATCCTAAGTCACTGCAGG).
Protein change: p.Cys214fs; shifts the reading frame from cysteine 214.
Molecular consequence: frameshift variant.
Genome position (GRCh38, 1-based): chr4:22,445,015-22,445,039, CCTGCAGTGACTTAGGATAAACACA deleted on the plus strand (TGTGTTTATCCTAAGTCACTGCAGG on the coding strand, the reverse complement: ADGRA3 is on the minus strand); deleting any 25 consecutive bases within chr4:22,445,015-22,445,043 gives the same sequence; the c. name uses the placement nearest the transcript's 3' end. VCF-style (leftmost placement, unchanged base first): chr4-22445014-GCCTGCAGTGACTTAGGATAAACACA-G. GRCh37 (hg19) VCF-style: chr4-22446637-GCCTGCAGTGACTTAGGATAAACACA-G.
Other names: short protein forms C214fs.
Identifiers: ClinVar variation 3683350 (VCV003683350.2).

ClinVar aggregate classification (germline): Uncertain significance (1 of 4 stars; one submission).

Submission:

Labcorp Genetics (formerly Invitae), Labcorp
Classification: Uncertain significance. Last evaluated: 2024-06-13. Review status: criteria provided, single submitter. Criteria: Invitae Variant Classification Sherloc (09022015). Collection method: clinical testing. Allele origin: germline.
Comment: This sequence change creates a premature translational stop signal (p.Cys214Profs*7) in the ADGRA3 gene. It is expected to result in an absent or disrupted protein product. However, the current clinical and genetic evidence is not sufficient to establish whether loss-of-function variants in ADGRA3 cause disease. This variant is present in population databases (rs778235893, gnomAD 0.01%). This variant has not been reported in the literature in individuals affected with ADGRA3-related conditions. In summary, the available evidence is currently insufficient to determine the role of this variant in disease. Therefore, it has been classified as a Variant of Uncertain Significance.